The following is an entry in ClinVar:

ClinVar aggregate classification (germline): Benign/Likely benign. Review status: criteria provided, multiple submitters, no conflicts (2 of 4 stars). 4 submissions from 4 submitters: Benign (1); Likely benign (3). Last evaluated 2025-12-29.

Conditions:
Hereditary cancer-predisposing syndrome. Also called: Neoplastic Syndromes, Hereditary; Tumor predisposition; Hereditary neoplastic syndrome; Hereditary Cancer Syndrome. Identifiers: Orphanet 140162, MedGen C0027672, MeSH D009386, MONDO:0015356.
Familial adenomatous polyposis 1 (FAP1). Also called: POLYPOSIS, ADENOMATOUS INTESTINAL; FAMILIAL ADENOMATOUS POLYPOSIS 1, ATTENUATED. Identifiers: MedGen C2713442, MONDO:0021056, OMIM 175100. Disease mechanism: loss of function.

Allele frequency attached by ClinVar (database versions not stated): gnomAD exomes 0.00003.
gnomAD v4.1: 16 of 1,614,022 alleles (0.00099%); highest among the groups gnomAD compares: East Asian, 0.036%; no homozygotes.

Submissions (4):

Labcorp Genetics (formerly Invitae), Labcorp
Classification: Likely benign for Familial adenomatous polyposis 1. Last evaluated: 2025-12-29. Review status: criteria provided, single submitter. Criteria: Invitae Variant Classification Sherloc (09022015). Collection method: clinical testing. Allele origin: germline.

Myriad Genetics, Inc.
Classification: Benign for Familial adenomatous polyposis 1. Last evaluated: 2024-04-05. Review status: criteria provided, single submitter. Criteria: Myriad Autosomal Dominant, Autosomal Recessive and X-Linked Classification Criteria (2023). Collection method: clinical testing. Allele origin: unknown.
Comment: This variant is considered benign. This variant is a silent/synonymous amino acid change and it is not expected to impact splicing.

Color Diagnostics, LLC DBA Color Health
Classification: Likely benign for Hereditary cancer-predisposing syndrome. Last evaluated: 2019-06-24. Review status: criteria provided, single submitter. Criteria: ACMG Guidelines, 2015. Collection method: clinical testing. Allele origin: germline.

Ambry Genetics
Classification: Likely benign for Hereditary cancer-predisposing syndrome. Last evaluated: 2019-02-27. Review status: criteria provided, single submitter. Criteria: Ambry Variant Classification Scheme 2023. Collection method: clinical testing. Allele origin: germline.

NM_000038.6(APC):c.6642A>G (p.Lys2214=)

Gene: APC (APC regulator of Wnt signaling pathway; plus strand). Cytogenetic location: 5q22.2.
Variant type: single nucleotide variant.
Coding change: c.6642A>G on transcript NM_000038.6 (MANE Select); coding-DNA position 6642, A replaced by G.
Protein change: p.Lys2214=; no amino-acid change (lysine 2214 retained).
Molecular consequence: synonymous variant.
Genome position (GRCh38, 1-based): chr5:112,842,236, A>G. VCF-style: chr5-112842236-A-G. GRCh37 (hg19) VCF-style: chr5-112177933-A-G.
Other names: c.6642A>G, p.Lys2214= (NM_001127510.3, NM_001354895.2); c.6588A>G, p.Lys2196= (NM_001127511.3); c.6696A>G, p.Lys2232= (NM_001354896.2); c.6672A>G, p.Lys2224= (NM_001354897.2); c.6567A>G, p.Lys2189= (NM_001354898.2); c.6558A>G, p.Lys2186= (NM_001354899.2); c.6519A>G, p.Lys2173= (NM_001354900.2); c.6465A>G, p.Lys2155= (NM_001354901.2); and 5 more.
Identifiers: ClinVar variation 826528 (VCV000826528.17), dbSNP rs1580673127, ClinGen allele CA446209874.